The following is an entry in ClinVar:

ClinVar aggregate classification (germline): Benign (1 of 4 stars; one submission).

Submission:

Biesecker Lab/Clinical Genomics Section, National Institutes of Health
Classification: Benign. Last evaluated: 2013-06-24. Review status: criteria provided, single submitter. Criteria: Ng et al. (Circ Cardiovasc Genet. 2013). Collection method: research. Allele origin: unknown. Observed: 36 variant alleles. Study: ClinSeq.
Comment: The study set was not selected for affection status in relation to any cancer. Pathogenicity categories were based on literature curation. See Pubmed ID:23861362 for details.

Medical sequencing

NM_001267550.2(TTN):c.105781C>T (p.Pro35261Ser)

Genes: TTN (titin; minus strand), TTN-AS1 (TTN antisense RNA 1; plus strand), LOC129935183 (ATAC-STARR-seq lymphoblastoid active region 16808; plus strand). Cytogenetic location: 2q31.2.
Variant type: single nucleotide variant.
Coding change: c.105781C>T on transcript NM_001267550.2 (MANE Select); coding-DNA position 105781, C replaced by T.
Protein change: p.Pro35261Ser; replaces proline 35261 with serine.
Molecular consequence: missense variant.
Genome position (GRCh38, 1-based): chr2:178,530,834, G>A on the plus strand (C>T on the coding strand, the complement: TTN is on the minus strand). VCF-style: chr2-178530834-G-A. GRCh37 (hg19) VCF-style: chr2-179395561-G-A.
Other names: c.100858C>T, p.Pro33620Ser (NM_001256850.1); c.78586C>T, p.Pro26196Ser (NM_003319.4); c.98077C>T, p.Pro32693Ser (NM_133378.4); c.78961C>T, p.Pro26321Ser (NM_133432.3); c.79162C>T, p.Pro26388Ser (NM_133437.4); short protein forms P32693S, P35261S, P33620S, P26196S, P26388S, P26321S.
Identifiers: ClinVar variation 192195 (VCV000192195.1), dbSNP rs786205336, ClinGen allele CA200049.